The following is an entry in ClinVar:

ClinVar aggregate classification (germline): Uncertain significance (1 of 4 stars; one submission).

Conditions:
Cardiomyopathy (CMYO). Also called: Cardiomyopathies. Identifiers: Orphanet 167848, MedGen C0878544, MONDO:0004994, HP:0001638. Inheritance: Various modes of inheritance.

Submission:

Color Diagnostics, LLC DBA Color Health
Classification: Uncertain significance for Cardiomyopathy. Last evaluated: 2024-03-06. Review status: criteria provided, single submitter. Criteria: ACMG Guidelines, 2015. Collection method: clinical testing. Allele origin: germline.
Comment: This missense variant replaces valine with glycine at codon 187 of the DSP protein. Computational prediction suggests that this variant may not impact protein structure and function (internally defined REVEL score threshold <= 0.5, PMID: 27666373). To our knowledge, functional studies have not been reported for this variant. This variant has not been reported in individuals affected with cardiovascular disorders in the literature. This variant has not been identified in the general population by the Genome Aggregation Database (gnomAD). The available evidence is insufficient to determine the role of this variant in disease conclusively. Therefore, this variant is classified as a Variant of Uncertain Significance.

NM_004415.4(DSP):c.560T>G (p.Val187Gly)

Gene: DSP (desmoplakin; plus strand). Cytogenetic location: 6p24.3.
Variant type: single nucleotide variant.
Coding change: c.560T>G on transcript NM_004415.4 (MANE Select); coding-DNA position 560, T replaced by G.
Protein change: p.Val187Gly; replaces valine 187 with glycine.
Molecular consequence: missense variant.
Genome position (GRCh38, 1-based): chr6:7,559,363, T>G. VCF-style: chr6-7559363-T-G. GRCh37 (hg19) VCF-style: chr6-7559596-T-G.
Other names: c.560T>G, p.Val187Gly (NM_001008844.3, NM_001319034.2, NM_001406591.1); short protein forms V187G.
Identifiers: ClinVar variation 2775263 (VCV002775263.2), dbSNP rs2533853933, ClinGen allele CA362672736.
Genomic context (GRCh38, chr6:7,559,363, plus strand): 5'-AGGGTGGTGGAGGCTACACTTGTCAGAGTGGCTCTGGCTGGGATGAGTTCACCAAACATG[T>G]CACCAGTGAATGTTTGGGGTGGATGAGGCAGCAAAGGGTAAGCAGCTTCTTGAACAGCCC-3'
Protein context (NP_004406.2, residues 177-197): GSGWDEFTKH[Val187Gly]TSECLGWMRQ